The following is an entry in ClinVar:

NM_001042492.3(NF1):c.1172A>G (p.Asn391Ser)

Gene: NF1 (neurofibromin 1; plus strand). Cytogenetic location: 17q11.2.
Variant type: single nucleotide variant.
Coding change: c.1172A>G on transcript NM_001042492.3 (MANE Select); coding-DNA position 1172, A replaced by G.
Protein change: p.Asn391Ser; replaces asparagine 391 with serine.
Molecular consequence: missense variant.
Genome position (GRCh38, 1-based): chr17:31,201,146, A>G. VCF-style: chr17-31201146-A-G. GRCh37 (hg19) VCF-style: chr17-29528164-A-G.
Other names: c.1172A>G, p.Asn391Ser (NM_001128147.3, NM_000267.4); short protein forms N391S.
Identifiers: ClinVar variation 2134254 (VCV002134254.5), dbSNP rs2143880408, ClinGen allele CA398997272.

ClinVar aggregate classification (germline): Uncertain significance. Review status: criteria provided, multiple submitters, no conflicts (2 of 4 stars). 2 submissions from 2 submitters: Uncertain significance (2). Last evaluated 2025-08-19.

Conditions:
Neurofibromatosis, type 1 (NF1). Also called: Peripheral type neurofibromatosis; NEUROFIBROMATOSIS, TYPE I, SOMATIC; Neurofibromatosis, type I; VON RECKLINGHAUSEN DISEASE. Identifiers: Orphanet 636, MedGen C0027831, MONDO:0018975, OMIM 162200. Disease mechanism: loss of function.
Cardiovascular phenotype. Identifiers: MedGen CN230736.
Hereditary cancer-predisposing syndrome. Also called: Hereditary Cancer Syndrome; Neoplastic Syndromes, Hereditary; Hereditary neoplastic syndrome; Tumor predisposition. Identifiers: Orphanet 140162, MedGen C0027672, MeSH D009386, MONDO:0015356.

Submissions (2):

Ambry Genetics
Classification: Uncertain significance for Cardiovascular phenotype; Hereditary cancer-predisposing syndrome. Last evaluated: 2025-08-19. Review status: criteria provided, single submitter. Criteria: Ambry Variant Classification Scheme 2023. Collection method: clinical testing. Allele origin: germline.
Comment: The p.N391S variant (also known as c.1172A>G), located in coding exon 10 of the NF1 gene, results from an A to G substitution at nucleotide position 1172. The asparagine at codon 391 is replaced by serine, an amino acid with highly similar properties. This amino acid position is conserved. In addition, this alteration is predicted to be tolerated by in silico analysis. Based on the available evidence, the clinical significance of this variant remains unclear.

Labcorp Genetics (formerly Invitae), Labcorp
Classification: Uncertain significance for Neurofibromatosis, type 1. Last evaluated: 2022-09-04. Review status: criteria provided, single submitter. Criteria: Invitae Variant Classification Sherloc (09022015). Collection method: clinical testing. Allele origin: germline.
Comment: This variant is not present in population databases (gnomAD no frequency). In summary, the available evidence is currently insufficient to determine the role of this variant in disease. Therefore, it has been classified as a Variant of Uncertain Significance. Algorithms developed to predict the effect of missense changes on protein structure and function are either unavailable or do not agree on the potential impact of this missense change (SIFT: "Tolerated"; PolyPhen-2: "Probably Damaging"; Align-GVGD: "Class C0"). This variant has not been reported in the literature in individuals affected with NF1-related conditions. This sequence change replaces asparagine, which is neutral and polar, with serine, which is neutral and polar, at codon 391 of the NF1 protein (p.Asn391Ser).